The following is an entry in ClinVar:

ClinVar aggregate classification (germline): Pathogenic (1 of 4 stars; one submission).

Submission:

ISCA site 4
Classification: Pathogenic. Last evaluated: 2011-08-12. Review status: criteria provided, single submitter. Criteria: Kaminsky et al. (Genet Med. 2011). Collection method: clinical testing. Allele origin: de novo. Affected: yes. Observed: 1 variant allele.
Comment: Copy number variation identified through the course of routine clinical cytogenomic testing in postnatal populations. Clinical assertions have been curated as described in Kaminsky et al. 2011.

GRCh38/hg38 5q11.1-12.1(chr5:50288355-63149770)x1

Genes: LRRC70 (leucine rich repeat containing 70; plus strand), MAP3K1 (mitogen-activated protein kinase kinase kinase 1; plus strand), MCIDAS (multiciliate differentiation and DNA synthesis associated cell cycle protein; minus strand), MIER3 (MIER family member 3; minus strand), MIR449A (microRNA 449a; minus strand) and 268 more. Cytogenetic location: 5q11.1-12.1.
Variant type: copy number loss.
Change: copy number 1 (one copy instead of two) of chr5:50,288,355-63,149,770 (12.86 Mb, GRCh38 coordinates, 1-based), cytogenetic band 5q11.1-12.1.
Identifiers: ClinVar variation 57149 (VCV000057149.1).